The following is an entry in ClinVar:

NM_025074.7(FRAS1):c.*282A>T

Gene: FRAS1 (Fraser extracellular matrix complex subunit 1; plus strand). Cytogenetic location: 4q21.21.
Variant type: single nucleotide variant.
Coding change: c.*282A>T on transcript NM_025074.7 (MANE Select); 282 bases downstream of the stop codon, A replaced by T.
Molecular consequence: 3 prime UTR variant.
Genome position (GRCh38, 1-based): chr4:78,541,406, A>T. VCF-style: chr4-78541406-A-T. GRCh37 (hg19) VCF-style: chr4-79462560-A-T.
Identifiers: ClinVar variation 349829 (VCV000349829.6), dbSNP rs3749485, ClinGen allele CA10621753.

ClinVar aggregate classification (germline): Benign. Review status: criteria provided, multiple submitters, no conflicts (2 of 4 stars). 2 submissions from 2 submitters: Benign (2). Last evaluated 2018-01-12.

Conditions:
Fraser syndrome 1 (FRASRS1). Also called: CRYPTOPHTHALMOS WITH OTHER MALFORMATIONS. Identifiers: Orphanet 2052, MedGen C4551480, MONDO:0054737, OMIM 219000.

Allele frequency attached by ClinVar (database versions not stated): 1000 Genomes Project 30x 0.20206; 1000 Genomes Project 0.20228; TOPMed 0.24013; gnomAD 0.24962; gnomAD exomes 0.29378.
gnomAD v4.1: 66,386 of 249,630 alleles (27%); highest among the groups gnomAD compares: Non-Finnish European, 32%; 9,892 homozygotes.

Submissions (2):

Illumina Laboratory Services, Illumina
Classification: Benign for Fraser syndrome 1. Last evaluated: 2018-01-12. Review status: criteria provided, single submitter. Criteria: ICSL Variant Classification Criteria 13 December 2019. Collection method: clinical testing. Allele origin: germline.
Comment: This variant was observed in the ICSL laboratory as part of a predisposition screen in an ostensibly healthy population. It had not been previously curated by ICSL or reported in the Human Gene Mutation Database (HGMD: prior to June 1st, 2018), and was therefore a candidate for classification through an automated scoring system. Utilizing variant allele frequency, disease prevalence and penetrance estimates, and inheritance mode, an automated score was calculated to assess if this variant is too frequent to cause the disease. Based on the score and internal cut-off values, a variant classified as benign is not then subjected to further curation. The score for this variant resulted in a classification of benign for this disease.

Breakthrough Genomics
Classification: Benign. Review status: criteria provided, single submitter. Criteria: ACMG Guidelines, 2015. Collection method: not provided. Allele origin: germline. Inheritance: Autosomal recessive inheritance. Affected: yes.